The following is an entry in ClinVar:

ClinVar aggregate classification (germline): Pathogenic (1 of 4 stars; one submission).

Submission:

Labcorp Genetics (formerly Invitae), Labcorp
Classification: Pathogenic. Last evaluated: 2019-05-22. Review status: criteria provided, single submitter. Criteria: Invitae Variant Classification Sherloc (09022015). Collection method: clinical testing. Allele origin: germline.
Comment: This variant is an out-of-frame deletion of the genomic region encompassing exon 2 of the NPHS2 gene. This is expected to create a premature translational stop signal and result in an absent or disrupted protein product. A similar variant has been observed in combination with another NPHS2 variant in an individual affected with congenital nephrotic syndrome (PMID: 28780565). Loss-of-function variants in NPHS2 are known to be pathogenic (PMID: 10742096, 14701729, 15253708, 23595123). For these reasons, this variant has been classified as Pathogenic.

Literature cited by the submitters: PubMed 28780565.

NC_000001.11:g.(?_179564680)_(179564803_?)del

Gene: NPHS2 (NPHS2 stomatin family member, podocin; minus strand). Cytogenetic location: 1q25.2.
Variant type: Deletion.
Identifiers: ClinVar variation 832763 (VCV000832763.1).